The following is an entry in ClinVar:

NM_004006.3(DMD):c.10615C>G (p.Leu3539Val)

Gene: DMD (dystrophin; minus strand). Cytogenetic location: Xp21.2.
Variant type: single nucleotide variant.
Coding change: c.10615C>G on transcript NM_004006.3 (MANE Select); coding-DNA position 10615, C replaced by G.
Protein change: p.Leu3539Val; replaces leucine 3539 with valine.
Molecular consequence: missense variant.
Genome position (GRCh38, 1-based): chrX:31,147,457, G>C on the plus strand (C>G on the coding strand, the complement: DMD is on the minus strand). VCF-style: chrX-31147457-G-C. GRCh37 (hg19) VCF-style: chrX-31165574-G-C.
Other names: c.10591C>G, p.Leu3531Val (NM_000109.4); c.10603C>G, p.Leu3535Val (NM_004009.3); c.10246C>G, p.Leu3416Val (NM_004010.3); c.6592C>G, p.Leu2198Val (NM_004011.4); c.6583C>G, p.Leu2195Val (NM_004012.4); c.3235C>G, p.Leu1079Val (NM_004013.3, NM_004021.3); c.2428C>G, p.Leu810Val (NM_004014.3); c.1411C>G, p.Leu471Val (NM_004015.3, NM_004016.3); and 3 more; short protein forms L3539V, L1079V, L3416V, L3535V, L458V, L810V, L1066V, L969V.
Identifiers: ClinVar variation 526082 (VCV000526082.23), dbSNP rs367748290, ClinGen allele CA10377558.

ClinVar aggregate classification (germline): Uncertain significance. Review status: criteria provided, multiple submitters, no conflicts (2 of 4 stars). 5 submissions from 5 submitters: Uncertain significance (4). 1 of the submissions does not count toward it. Last evaluated 2024-10-10.

Conditions:
Dystrophin deficiency.
Cardiomyopathy (CMYO). Also called: Cardiomyopathies. Identifiers: Orphanet 167848, MedGen C0878544, MONDO:0004994, HP:0001638. Inheritance: Various modes of inheritance.
Becker muscular dystrophy (BMD). Also called: Becker Muscular Dystrophy (BMD); MUSCULAR DYSTROPHY, PSEUDOHYPERTROPHIC PROGRESSIVE, BECKER TYPE. Identifiers: Orphanet 98895, MedGen C0917713, MONDO:0010311, OMIM 300376.
Duchenne muscular dystrophy (DMD). Also called: Duchenne Muscular Dystrophy (DMD); MUSCULAR DYSTROPHY, PSEUDOHYPERTROPHIC PROGRESSIVE, DUCHENNE TYPE. Identifiers: Orphanet 98896, MedGen C0013264, MONDO:0010679, OMIM 310200.
Cardiovascular phenotype. Identifiers: MedGen CN230736.
Dilated cardiomyopathy 3B (CMD3B). Also called: CMD3B: DMD-Related Dilated Cardiomyopathy; CARDIOMYOPATHY, DILATED, X-LINKED; DMD-Associated Dilated Cardiomyopathy. Identifiers: Orphanet 154, MedGen C3668940, MONDO:0010542, OMIM 302045.

Allele frequency attached by ClinVar (database versions not stated): gnomAD 0.00001 and 0.00002; TOPMed 0.00001; ESP Exome Variant Server 0.00009.
gnomAD v4.1: 1 of 1,201,853 alleles (0.000083%); highest among the groups gnomAD compares: African/African-American, 0.0018%; no homozygotes.

Submissions (5):

Ambry Genetics
Classification: Uncertain significance for Cardiovascular phenotype. Last evaluated: 2024-10-10. Review status: criteria provided, single submitter. Criteria: Ambry Variant Classification Scheme 2023. Collection method: clinical testing. Allele origin: germline.
Comment: The p.L3539V variant (also known as c.10615C>G), located in coding exon 75 of the DMD gene, results from a C to G substitution at nucleotide position 10615. The leucine at codon 3539 is replaced by valine, an amino acid with highly similar properties. This amino acid position is highly conserved in available vertebrate species. In addition, this alteration is predicted to be tolerated by in silico analysis. Based on data from gnomAD, the G allele has an overall frequency of 0.0006% (1/181145) total alleles studied, with 0 hemizygote(s) observed. The highest observed frequency was 0.0077% (1/13034) of African alleles. Since supporting evidence is limited at this time, the clinical significance of this alteration remains unclear.

Labcorp Genetics (formerly Invitae), Labcorp
Classification: Uncertain significance for Duchenne muscular dystrophy. Last evaluated: 2024-08-28. Review status: criteria provided, single submitter. Criteria: Invitae Variant Classification Sherloc (09022015). Collection method: clinical testing. Allele origin: germline.
Comment: This sequence change replaces leucine, which is neutral and non-polar, with valine, which is neutral and non-polar, at codon 3539 of the DMD protein (p.Leu3539Val). This variant is present in population databases (rs367748290, gnomAD 0.008%). This variant has not been reported in the literature in individuals affected with DMD-related conditions. ClinVar contains an entry for this variant (Variation ID: 526082). Invitae Evidence Modeling of protein sequence and biophysical properties (such as structural, functional, and spatial information, amino acid conservation, physicochemical variation, residue mobility, and thermodynamic stability) indicates that this missense variant is not expected to disrupt DMD protein function with a negative predictive value of 95%. In summary, the available evidence is currently insufficient to determine the role of this variant in disease. Therefore, it has been classified as a Variant of Uncertain Significance.

Fulgent Genetics
Classification: Uncertain significance for Becker muscular dystrophy; Dilated cardiomyopathy 3B; Duchenne muscular dystrophy. Last evaluated: 2021-10-20. Review status: criteria provided, single submitter. Criteria: ACMG Guidelines, 2015. Collection method: clinical testing. Allele origin: unknown.

Revvity Omics, Revvity
Classification: Uncertain significance. Last evaluated: 2020-03-28. Review status: criteria provided, single submitter. Criteria: ACMG Guidelines, 2015. Collection method: clinical testing. Allele origin: germline.

Natera, Inc.
Classification: Uncertain significance for Becker muscular dystrophy; Cardiomyopathy; Duchenne muscular dystrophy; Dystrophin deficiency. Last evaluated: 2018-08-17. Review status: no assertion criteria provided. Collection method: clinical testing. Allele origin: germline. Not counted in ClinVar's aggregate classification.